The following is an entry in ClinVar:

NM_003072.5(SMARCA4):c.4210G>T (p.Val1404Phe)

Gene: SMARCA4 (SWI/SNF related BAF chromatin remodeling complex subunit ATPase 4; plus strand). Cytogenetic location: 19p13.2.
Variant type: single nucleotide variant.
Coding change: c.4210G>T on transcript NM_003072.5 (MANE Select); coding-DNA position 4210, G replaced by T.
Protein change: p.Val1404Phe; replaces valine 1404 with phenylalanine.
Molecular consequence: missense variant. On other transcripts: non-coding transcript variant (1).
Genome position (GRCh38, 1-based): chr19:11,041,346, G>T. VCF-style: chr19-11041346-G-T. GRCh37 (hg19) VCF-style: chr19-11152022-G-T.
Other names: c.4210G>T, p.Val1404Phe (NM_001128844.3); c.4120G>T, p.Val1374Phe (NM_001128845.2, NM_001128846.2); c.4111G>T, p.Val1371Phe (NM_001128847.4, NM_001128848.2, NM_001374457.1); c.4306G>T, p.Val1436Phe (NM_001128849.3, NM_001387283.1); short protein forms V1436F, V1404F, V1374F, V1371F.
Identifiers: ClinVar variation 480644 (VCV000480644.18), dbSNP rs1555788108, ClinGen allele CA404072902.

ClinVar aggregate classification (germline): Uncertain significance. Review status: criteria provided, multiple submitters, no conflicts (2 of 4 stars). 3 submissions from 3 submitters: Uncertain significance (3). Last evaluated 2024-05-02.

Conditions:
Hereditary cancer-predisposing syndrome. Also called: Hereditary Cancer Syndrome; Neoplastic Syndromes, Hereditary; Tumor predisposition; Hereditary neoplastic syndrome. Identifiers: Orphanet 140162, MedGen C0027672, MeSH D009386, MONDO:0015356.
Intellectual disability, autosomal dominant 16 (CSS4). Also called: COFFIN-SIRIS SYNDROME 4. Identifiers: Orphanet 1465, MedGen C3553249, MONDO:0013821, OMIM 614609.
Rhabdoid tumor predisposition syndrome 2 (RTPS2). Identifiers: Orphanet 231108, Orphanet 69077, MedGen C2750074, MONDO:0013224, OMIM 613325.

Submissions (3):

Ambry Genetics
Classification: Uncertain significance for Hereditary cancer-predisposing syndrome. Last evaluated: 2024-05-02. Review status: criteria provided, single submitter. Criteria: Ambry Variant Classification Scheme 2023. Collection method: clinical testing. Allele origin: germline.
Comment: The p.V1436F variant (also known as c.4306G>T), located in coding exon 30 of the SMARCA4 gene, results from a G to T substitution at nucleotide position 4306. The valine at codon 1436 is replaced by phenylalanine, an amino acid with highly similar properties. This amino acid position is highly conserved in available vertebrate species. In addition, the in silico prediction for this alteration is inconclusive. Since supporting evidence is limited at this time, the clinical significance of this alteration remains unclear.

Labcorp Genetics (formerly Invitae), Labcorp
Classification: Uncertain significance for Rhabdoid tumor predisposition syndrome 2. Last evaluated: 2023-07-10. Review status: criteria provided, single submitter. Criteria: Invitae Variant Classification Sherloc (09022015). Collection method: clinical testing. Allele origin: germline.
Comment: ClinVar contains an entry for this variant (Variation ID: 480644). This variant has not been reported in the literature in individuals affected with SMARCA4-related conditions. This variant is not present in population databases (gnomAD no frequency). This sequence change replaces valine, which is neutral and non-polar, with phenylalanine, which is neutral and non-polar, at codon 1436 of the SMARCA4 protein (p.Val1436Phe). Advanced modeling of protein sequence and biophysical properties (such as structural, functional, and spatial information, amino acid conservation, physicochemical variation, residue mobility, and thermodynamic stability) performed at Invitae indicates that this missense variant is expected to disrupt SMARCA4 protein function. In summary, the available evidence is currently insufficient to determine the role of this variant in disease. Therefore, it has been classified as a Variant of Uncertain Significance.

Genome-Nilou Lab
Classification: Uncertain significance for Intellectual disability, autosomal dominant 16. Last evaluated: 2021-07-15. Review status: criteria provided, single submitter. Criteria: ACMG Guidelines, 2015. Collection method: clinical testing. Allele origin: germline. Affected: no.